The following is an entry in ClinVar:

NM_005045.4(RELN):c.8732G>T (p.Gly2911Val)

Genes: RELN (reelin; minus strand), SLC26A5-AS1 (SLC26A5 antisense RNA 1; plus strand). Cytogenetic location: 7q22.1.
Variant type: single nucleotide variant.
Coding change: c.8732G>T on transcript NM_005045.4 (MANE Select); coding-DNA position 8732, G replaced by T.
Protein change: p.Gly2911Val; replaces glycine 2911 with valine.
Molecular consequence: missense variant.
Genome position (GRCh38, 1-based): chr7:103,498,188, C>A on the plus strand (G>T on the coding strand, the complement: RELN is on the minus strand). VCF-style: chr7-103498188-C-A. GRCh37 (hg19) VCF-style: chr7-103138635-C-A.
Other names: c.8732G>T, p.Gly2911Val (NM_173054.3); short protein forms G2911V.
Identifiers: ClinVar variation 2011428 (VCV002011428.4), dbSNP rs2484704103, ClinGen allele CA368753506.

ClinVar aggregate classification (germline): Uncertain significance (1 of 4 stars; one submission).

Conditions:
Norman-Roberts syndrome (LIS2). Also called: Lissencephaly 2 (Norman-Roberts type). Identifiers: Orphanet 89844, MedGen C0796089, MONDO:0009760, OMIM 257320.
Familial temporal lobe epilepsy 7. Identifiers: Orphanet 101046, MedGen C4225327, MONDO:0014639, OMIM 616436.

Submission:

Labcorp Genetics (formerly Invitae), Labcorp
Classification: Uncertain significance for Familial temporal lobe epilepsy 7; Norman-Roberts syndrome. Last evaluated: 2022-06-27. Review status: criteria provided, single submitter. Criteria: Invitae Variant Classification Sherloc (09022015). Collection method: clinical testing. Allele origin: germline.
Comment: This variant is not present in population databases (gnomAD no frequency). This sequence change replaces glycine, which is neutral and non-polar, with valine, which is neutral and non-polar, at codon 2911 of the RELN protein (p.Gly2911Val). This variant has not been reported in the literature in individuals affected with RELN-related conditions. Algorithms developed to predict the effect of missense changes on protein structure and function are either unavailable or do not agree on the potential impact of this missense change (SIFT: "Deleterious"; PolyPhen-2: "Probably Damaging"; Align-GVGD: "Class C0"). In summary, the available evidence is currently insufficient to determine the role of this variant in disease. Therefore, it has been classified as a Variant of Uncertain Significance.